The following is an entry in ClinVar:

NM_001177701.3(IFT27):c.352+5G>A

Genes: CACNG2-DT (CACNG2 divergent transcript; plus strand), IFT27 (intraflagellar transport 27; minus strand). Cytogenetic location: 22q12.3.
Variant type: single nucleotide variant.
Coding change: c.352+5G>A on transcript NM_001177701.3 (MANE Select); 5 bases into the intron after coding-DNA position 352, G replaced by A.
Molecular consequence: intron variant.
Genome position (GRCh38, 1-based): chr22:36,763,914, C>T on the plus strand (G>A on the coding strand, the complement: IFT27 is on the minus strand). VCF-style: chr22-36763914-C-T. GRCh37 (hg19) VCF-style: chr22-37159958-C-T.
Other names: c.352+5G>A (NM_001363003.2); c.349+5G>A (NM_006860.5).
Identifiers: ClinVar variation 852436 (VCV000852436.6), dbSNP rs369205589, ClinGen allele CA10212402.

ClinVar aggregate classification (germline): Conflicting classifications of pathogenicity. Review status: criteria provided, conflicting classifications (1 of 4 stars). 2 submissions from 2 submitters: Uncertain significance (1); Benign (1). Last evaluated 2024-05-28.

Allele frequency attached by ClinVar (database versions not stated): TOPMed 0.00003; gnomAD 0.00005 and 0.00007; ESP Exome Variant Server 0.00008; gnomAD exomes 0.00018; ExAC 0.00019.
gnomAD v4.1: 198 of 1,596,908 alleles (0.012%); highest among the groups gnomAD compares: South Asian, 0.13%; 2 homozygotes.

Submissions (2):

Blueprint Genetics
Classification: Benign. Last evaluated: 2024-05-28. Review status: criteria provided, single submitter. Criteria: ACMG Guidelines, 2015. Collection method: clinical testing. Allele origin: germline.

Labcorp Genetics (formerly Invitae), Labcorp
Classification: Uncertain significance. Last evaluated: 2022-08-20. Review status: criteria provided, single submitter. Criteria: Invitae Variant Classification Sherloc (09022015). Collection method: clinical testing. Allele origin: germline.
Comment: This sequence change falls in intron 5 of the IFT27 gene. It does not directly change the encoded amino acid sequence of the IFT27 protein. It affects a nucleotide within the consensus splice site. This variant is present in population databases (rs369205589, gnomAD 0.1%). This variant has not been reported in the literature in individuals affected with IFT27-related conditions. ClinVar contains an entry for this variant (Variation ID: 852436). Variants that disrupt the consensus splice site are a relatively common cause of aberrant splicing (PMID: 17576681, 9536098). Algorithms developed to predict the effect of sequence changes on RNA splicing suggest that this variant is not likely to affect RNA splicing. In summary, the available evidence is currently insufficient to determine the role of this variant in disease. Therefore, it has been classified as a Variant of Uncertain Significance.

Literature cited by the submitters: PubMed 17576681 (cited by Labcorp Genetics (formerly Invitae), Labcorp); PubMed 9536098 (cited by Labcorp Genetics (formerly Invitae), Labcorp).